The following is an entry in ClinVar:

NM_001174147.2(LMX1B):c.464A>G (p.Glu155Gly)

Gene: LMX1B (LIM homeobox transcription factor 1 beta; plus strand). Cytogenetic location: 9q33.3.
Variant type: single nucleotide variant.
Coding change: c.464A>G on transcript NM_001174147.2 (MANE Select); coding-DNA position 464, A replaced by G.
Protein change: p.Glu155Gly; replaces glutamic acid 155 with glycine.
Molecular consequence: missense variant.
Genome position (GRCh38, 1-based): chr9:126,690,973, A>G. VCF-style: chr9-126690973-A-G. GRCh37 (hg19) VCF-style: chr9-129453252-A-G.
Other names: c.464A>G, p.Glu155Gly (NM_001174146.2, NM_002316.4); short protein forms E155G.
Identifiers: ClinVar variation 3383240 (VCV003383240.1).

ClinVar aggregate classification (germline): Uncertain significance (1 of 4 stars; one submission).

Conditions:
Nail-patella-like renal disease. Also called: GLOMERULAR BASEMENT MEMBRANE DISEASE, NAIL-PATELLA SYNDROME TYPE; Focal Segmental Glomerulosclerosis 10. Identifiers: Orphanet 2613, MedGen C0403548, MONDO:0009724, OMIM 256020.

Submission:

MVZ Medizinische Genetik Mainz
Classification: Uncertain significance for Nail-patella-like renal disease. Last evaluated: 2024-10-22. Review status: criteria provided, single submitter. Criteria: UK Practice Guidelines For Variant Classification V4 01 2020. Collection method: clinical testing. Allele origin: germline. Inheritance: Autosomal dominant inheritance. Observed: 1 variant allele.
Comment: ACMG Criteria: PM1,PP3_MOD,PM2_SUP